The following is an entry in ClinVar:

NM_000317.3(PTS):c.117_118del (p.Phe40fs)

Gene: PTS (6-pyruvoyltetrahydropterin synthase; plus strand). Cytogenetic location: 11q23.1.
Variant type: Deletion.
Coding change: c.117_118del on transcript NM_000317.3 (MANE Select); coding-DNA positions 117 to 118, 2 bases deleted (GT; older notation c.117_118delGT).
Protein change: p.Phe40fs; shifts the reading frame from phenylalanine 40.
Molecular consequence: frameshift variant.
Genome position (GRCh38, 1-based): chr11:112,228,627-112,228,628, GT deleted; deleting any 2 consecutive bases within chr11:112,228,626-112,228,628 gives the same sequence; the c. name uses the placement nearest the transcript's 3' end. VCF-style (leftmost placement, unchanged base first): chr11-112228625-CTG-C. GRCh37 (hg19) VCF-style: chr11-112099348-CTG-C.
Other names: short protein forms F40fs.
Identifiers: ClinVar variation 5012612 (VCV005012612.1).
Genomic context (GRCh38, chr11:112,228,625, plus strand): 5'-TGCTGACTTTTTTTTTTTTTTTTGGTCAGTAAATTTCTAAGTGATGAAGAAAACTTGAAA[CTG>C]TTTGGGAAATGCAACAATCCAAATGGCCATGGGCACAATTATAAAGGTGAGAGAAAAACT-3'

ClinVar aggregate classification (germline): Pathogenic (1 of 4 stars; one submission).

Conditions:
6-Pyruvoyl-tetrahydrobiopterin synthase deficiency. Also called: HYPERPHENYLALANINEMIA, TETRAHYDROBIOPTERIN-DEFICIENT, DUE TO PTS DEFICIENCY; Hyperphenylalanemia, BH4-deficient, A; Hyperphenylalaninemia due to 6-pyruvoyl-tetrahydropterin synthase deficiency; PTS DEFICIENCY; 6-Pyruvoyltetrahydropterin Synthase Deficiency; BH4-deficient hyperphenylalaninemia A. Identifiers: Orphanet 13, Orphanet 238583, MedGen C0878676, MONDO:0009863, OMIM 261640.

Submission:

Myriad Genetics, Inc.
Classification: Pathogenic for 6-Pyruvoyl-tetrahydrobiopterin synthase deficiency. Last evaluated: 2023-12-26. Review status: criteria provided, single submitter. Criteria: Myriad Autosomal Dominant, Autosomal Recessive and X-Linked Classification Criteria (2023). Collection method: clinical testing. Allele origin: unknown.
Comment: NM_000317.2(PTS):c.117_118delGT(F40Wfs*14) is expected to be pathogenic in the context of 6-pyruvoyl-tetrahydropterin synthase deficiency. This variant is predicted to lead to an abnormal or absent protein product due to the creation of a premature termination codon in PTS, a gene where loss-of-function variants are known to be pathogenic. Please note: this variant was assessed in the context of healthy population screening.